The following is an entry in ClinVar:

ClinVar aggregate classification (germline): Uncertain significance (1 of 4 stars; one submission).

Submission:

Labcorp Genetics (formerly Invitae), Labcorp
Classification: Uncertain significance. Last evaluated: 2022-06-24. Review status: criteria provided, single submitter. Criteria: Invitae Variant Classification Sherloc (09022015). Collection method: clinical testing. Allele origin: germline.
Comment: Experimental studies and prediction algorithms are not available or were not evaluated, and the effect of this variant on mRNA splicing is currently unknown. This variant has not been reported in the literature in individuals affected with DNAH9-related conditions. Information on the frequency of this variant in the gnomAD database is not available, as this variant may be reported differently in the database. This sequence change falls in intron 61 of the DNAH9 gene. It does not directly change the encoded amino acid sequence of the DNAH9 protein. In summary, the available evidence is currently insufficient to determine the role of this variant in disease. Therefore, it has been classified as a Variant of Uncertain Significance.

NM_001372.4(DNAH9):c.11750-20_11750-18delinsTAA

Gene: DNAH9 (dynein axonemal heavy chain 9; plus strand). Cytogenetic location: 17p12.
Variant type: Indel.
Coding change: c.11750-20_11750-18delinsTAA on transcript NM_001372.4 (MANE Select); 20 bases into the intron before coding-DNA position 11750 through 18 bases into the intron before coding-DNA position 11750, CGC replaced by TAA.
Molecular consequence: intron variant.
Genome position (GRCh38, 1-based): chr17:11,923,794-11,923,796, CGC replaced by TAA. VCF-style: chr17-11923794-CGC-TAA. GRCh37 (hg19) VCF-style: chr17-11827111-CGC-TAA.
Other names: c.686-20_686-18delinsTAA (NM_004662.2).
Identifiers: ClinVar variation 1946410 (VCV001946410.3), dbSNP rs2544882458, ClinGen allele CA2580092548.